The following is an entry in ClinVar:

NM_001130987.2(DYSF):c.4221+3G>A

Gene: DYSF (dysferlin; plus strand). Cytogenetic location: 2p13.2.
Variant type: single nucleotide variant.
Coding change: c.4221+3G>A on transcript NM_001130987.2 (MANE Select); 3 bases into the intron after coding-DNA position 4221, G replaced by A.
Molecular consequence: intron variant.
Genome position (GRCh38, 1-based): chr2:71,611,629, G>A. VCF-style: chr2-71611629-G-A. GRCh37 (hg19) VCF-style: chr2-71838759-G-A.
Other names: c.4260+3G>A (NM_001130979.2); c.4218+3G>A (NM_001130981.2, NM_001130980.2); c.4167+3G>A (NM_001130978.2, NM_003494.4); c.4125+3G>A (NM_001130977.2, NM_001130976.2); c.4263+3G>A (NM_001130982.2); c.4221+3G>A (NM_001130985.2); c.4170+3G>A (NM_001130983.2, NM_001130455.2); c.4128+3G>A (NM_001130984.2, NM_001130986.2).
Identifiers: ClinVar variation 3702772 (VCV003702772.2).

ClinVar aggregate classification (germline): Uncertain significance (1 of 4 stars; one submission).

Conditions:
Neuromuscular disease caused by qualitative or quantitative defects of dysferlin. Also called: Dysferlinopathy; Qualitative or quantitative defects of dysferlin. Identifiers: Orphanet 207073, MedGen C2931687, MONDO:0016145.

gnomAD v4.1: 1 of 1,613,152 alleles (0.000062%); highest among the groups gnomAD compares: African/African-American, 0.0013%; no homozygotes.

Submission:

Labcorp Genetics (formerly Invitae), Labcorp
Classification: Uncertain significance for Neuromuscular disease caused by qualitative or quantitative defects of dysferlin. Last evaluated: 2024-12-10. Review status: criteria provided, single submitter. Criteria: Invitae Variant Classification Sherloc (09022015). Collection method: clinical testing. Allele origin: germline.
Comment: This sequence change falls in intron 38 of the DYSF gene. It does not directly change the encoded amino acid sequence of the DYSF protein. It affects a nucleotide within the consensus splice site. This variant is not present in population databases (gnomAD no frequency). This variant has not been reported in the literature in individuals affected with DYSF-related conditions. Variants that disrupt the consensus splice site are a relatively common cause of aberrant splicing (PMID: 17576681, 9536098). Algorithms developed to predict the effect of sequence changes on RNA splicing suggest that this variant is not likely to affect RNA splicing. In summary, the available evidence is currently insufficient to determine the role of this variant in disease. Therefore, it has been classified as a Variant of Uncertain Significance.

Literature cited by the submitters: PubMed 17576681; PubMed 9536098.